The following is an entry in ClinVar:

NM_032242.4(PLXNA1):c.4626C>T (p.Gly1542=)

Gene: PLXNA1 (plexin A1; plus strand). Cytogenetic location: 3q21.3.
Variant type: single nucleotide variant.
Coding change: c.4626C>T on transcript NM_032242.4 (MANE Select); coding-DNA position 4626, C replaced by T.
Protein change: p.Gly1542=; no amino-acid change (glycine 1542 retained).
Molecular consequence: synonymous variant.
Genome position (GRCh38, 1-based): chr3:127,028,297, C>T. VCF-style: chr3-127028297-C-T. GRCh37 (hg19) VCF-style: chr3-126747140-C-T.
Identifiers: ClinVar variation 4988703 (VCV004988703.1).
Genomic context (GRCh38, chr3:127,028,297, plus strand): 5'-GCTGGACTGTGACACGGTCACCCAGGCCAAGGAGAAGCTGCTGGACGCTGCCTACAAGGG[C>T]GTGCCCTACTCCCAGCGGCCCAAGGCCGCGGACATGGACCTGGGTGAGCGGGCGGGGCCA-3'
Protein context (NP_115618.3, residues 1532-1552): KEKLLDAAYK[Gly1542=]VPYSQRPKAA

ClinVar aggregate classification (germline): Likely benign (1 of 4 stars; one submission).

Conditions:
PLXNA1-related disorder. Also called: PLXNA1-related condition.

gnomAD v4.1: 24 of 1,612,514 alleles (0.0015%); highest among the groups gnomAD compares: African/African-American, 0.0067%; no homozygotes.

Submission:

PreventionGenetics, part of Exact Sciences
Classification: Likely benign for PLXNA1-related condition. Last evaluated: 2026-07-01. Review status: criteria provided, single submitter. Criteria: ACMG Guidelines, 2015. Collection method: clinical testing. Allele origin: germline.
Comment: This variant is classified as likely benign based on ACMG/AMP sequence variant interpretation guidelines (Richards et al. 2015 PMID: 25741868, with internal and published modifications).